The following is an entry in ClinVar:

NM_024757.5(EHMT1):c.1976A>G (p.Lys659Arg)

Gene: EHMT1 (euchromatic histone lysine methyltransferase 1; plus strand). Cytogenetic location: 9q34.3.
Variant type: single nucleotide variant.
Coding change: c.1976A>G on transcript NM_024757.5 (MANE Select); coding-DNA position 1976, A replaced by G.
Protein change: p.Lys659Arg; replaces lysine 659 with arginine.
Molecular consequence: missense variant.
Genome position (GRCh38, 1-based): chr9:137,776,802, A>G. VCF-style: chr9-137776802-A-G. GRCh37 (hg19) VCF-style: chr9-140671254-A-G.
Other names: c.1976A>G, p.Lys659Arg (NM_001145527.2); c.1883A>G, p.Lys628Arg (NM_001354259.2); c.1955A>G, p.Lys652Arg (NM_001354263.2); short protein forms K628R, K652R, K659R.
Identifiers: ClinVar variation 2499942 (VCV002499942.3), dbSNP rs1237428523, ClinGen allele CA375776873.
Genomic context (GRCh38, chr9:137,776,802, plus strand): 5'-AGGTGACGATAGCTAAAGCAGACACCACCTCGACCGTGACACCAGTCCCCGGGCAGGAGA[A>G]GGGCTCGGCCCTGGAGGGCAGGGCCGACACCACAACGGGCAGGTACCTGGCACAGGCTCT-3'
Protein context (NP_079033.4, residues 649-669): STVTPVPGQE[Lys659Arg]GSALEGRADT

ClinVar aggregate classification (germline): Uncertain significance. Review status: criteria provided, multiple submitters, no conflicts (2 of 4 stars). 2 submissions from 2 submitters: Uncertain significance (2). Last evaluated 2024-07-01.

Conditions:
Kleefstra syndrome 1 (KLEFS1). Identifiers: Orphanet 261494, MedGen C0795833, MONDO:0027407, OMIM 610253.

Allele frequency attached by ClinVar (database versions not stated): gnomAD 0.00001; TOPMed 0.00001.
gnomAD v4.1: 2 of 1,613,890 alleles (0.00012%); highest among the groups gnomAD compares: Non-Finnish European, 0.00017%; no homozygotes.

Submissions (2):

Labcorp Genetics (formerly Invitae), Labcorp
Classification: Uncertain significance for Kleefstra syndrome 1. Last evaluated: 2024-07-01. Review status: criteria provided, single submitter. Criteria: Invitae Variant Classification Sherloc (09022015). Collection method: clinical testing. Allele origin: germline.
Comment: This sequence change replaces lysine, which is basic and polar, with arginine, which is basic and polar, at codon 659 of the EHMT1 protein (p.Lys659Arg). This variant is not present in population databases (gnomAD no frequency). This variant has not been reported in the literature in individuals affected with EHMT1-related conditions. ClinVar contains an entry for this variant (Variation ID: 2499942). Algorithms developed to predict the effect of missense changes on protein structure and function output the following: SIFT: "Not Available"; PolyPhen-2: "Benign"; Align-GVGD: "Not Available". The arginine amino acid residue is found in multiple mammalian species, which suggests that this missense change does not adversely affect protein function. In summary, the available evidence is currently insufficient to determine the role of this variant in disease. Therefore, it has been classified as a Variant of Uncertain Significance.

GeneDx
Classification: Uncertain significance. Last evaluated: 2022-10-18. Review status: criteria provided, single submitter. Criteria: GeneDx Variant Classification Process June 2021. Collection method: clinical testing. Allele origin: germline. Affected: yes.
Comment: Not observed at significant frequency in large population cohorts (gnomAD); In silico analysis supports that this missense variant does not alter protein structure/function; Has not been previously published as pathogenic or benign to our knowledge